The following is an entry in ClinVar:

NM_006019.4(TCIRG1):c.1562G>A (p.Ser521Asn)

Gene: TCIRG1 (T cell immune regulator 1, ATPase H+ transporting V0 subunit a3; plus strand). Cytogenetic location: 11q13.2.
Variant type: single nucleotide variant.
Coding change: c.1562G>A on transcript NM_006019.4 (MANE Select); coding-DNA position 1562, G replaced by A.
Protein change: p.Ser521Asn; replaces serine 521 with asparagine.
Molecular consequence: missense variant.
Genome position (GRCh38, 1-based): chr11:68,048,886, G>A. VCF-style: chr11-68048886-G-A. GRCh37 (hg19) VCF-style: chr11-67816353-G-A.
Other names: c.668G>A, p.Ser223Asn (NM_001351059.2); c.914G>A, p.Ser305Asn (NM_006053.4); short protein forms S521N, S223N, S305N.
Identifiers: ClinVar variation 3707718 (VCV003707718.2).

ClinVar aggregate classification (germline): Uncertain significance (1 of 4 stars; one submission).

gnomAD v4.1: 46 of 1,610,870 alleles (0.0029%); highest among the groups gnomAD compares: Middle Eastern, 0.082%; no homozygotes.

Submission:

Labcorp Genetics (formerly Invitae), Labcorp
Classification: Uncertain significance. Last evaluated: 2025-10-19. Review status: criteria provided, single submitter. Criteria: Invitae Variant Classification Sherloc (09022015). Collection method: clinical testing. Allele origin: germline.
Comment: This sequence change replaces serine, which is neutral and polar, with asparagine, which is neutral and polar, at codon 521 of the TCIRG1 protein (p.Ser521Asn). This variant is present in population databases (rs557890860, gnomAD 0.05%). This variant has not been reported in the literature in individuals affected with TCIRG1-related conditions. ClinVar contains an entry for this variant (Variation ID: 3707718). An algorithm developed to predict the effect of missense changes on protein structure and function (PolyPhen-2) suggests that this variant is likely to be disruptive. In summary, the available evidence is currently insufficient to determine the role of this variant in disease. Therefore, it has been classified as a Variant of Uncertain Significance.